The following is an entry in ClinVar:

ClinVar aggregate classification (germline): Uncertain significance. Review status: criteria provided, multiple submitters, no conflicts (2 of 4 stars). 3 submissions from 3 submitters: Uncertain significance (3). Last evaluated 2024-01-11.

Conditions:
Retinal dystrophy. Also called: Inherited retinal dystrophy. Identifiers: Orphanet 71862, MedGen C0854723, MeSH D058499, MONDO:0019118, HP:0000556.

Allele frequency attached by ClinVar (database versions not stated): TOPMed 0.00006; ESP Exome Variant Server 0.00016.
gnomAD v4.1: 115 of 1,614,052 alleles (0.0071%); highest among the groups gnomAD compares: East Asian, 0.022%; no homozygotes.

Submissions (3):

Labcorp Genetics (formerly Invitae), Labcorp
Classification: Uncertain significance. Last evaluated: 2024-01-11. Review status: criteria provided, single submitter. Criteria: Invitae Variant Classification Sherloc (09022015). Collection method: clinical testing. Allele origin: germline.
Comment: This sequence change replaces glutamic acid, which is acidic and polar, with lysine, which is basic and polar, at codon 922 of the CNGB1 protein (p.Glu922Lys). This variant is present in population databases (rs373209562, gnomAD 0.04%). This variant has not been reported in the literature in individuals affected with CNGB1-related conditions. ClinVar contains an entry for this variant (Variation ID: 835538). Advanced modeling of protein sequence and biophysical properties (such as structural, functional, and spatial information, amino acid conservation, physicochemical variation, residue mobility, and thermodynamic stability) performed at Invitae indicates that this missense variant is not expected to disrupt CNGB1 protein function with a negative predictive value of 80%. In summary, the available evidence is currently insufficient to determine the role of this variant in disease. Therefore, it has been classified as a Variant of Uncertain Significance.

Dept Of Ophthalmology, Nagoya University
Classification: Uncertain significance for Retinal dystrophy. Last evaluated: 2023-10-01. Review status: criteria provided, single submitter. Criteria: Submitter's publication. Collection method: research. Allele origin: germline. Affected: yes.

Blueprint Genetics
Classification: Uncertain significance. Last evaluated: 2023-09-16. Review status: criteria provided, single submitter. Criteria: ACMG Guidelines, 2015. Collection method: clinical testing. Allele origin: germline.

NM_001297.5(CNGB1):c.2764G>A (p.Glu922Lys)

Gene: CNGB1 (cyclic nucleotide gated channel subunit beta 1; minus strand). Cytogenetic location: 16q21.
Variant type: single nucleotide variant.
Coding change: c.2764G>A on transcript NM_001297.5 (MANE Select); coding-DNA position 2764, G replaced by A.
Protein change: p.Glu922Lys; replaces glutamic acid 922 with lysine.
Molecular consequence: missense variant.
Genome position (GRCh38, 1-based): chr16:57,903,852, C>T on the plus strand (G>A on the coding strand, the complement: CNGB1 is on the minus strand). VCF-style: chr16-57903852-C-T. GRCh37 (hg19) VCF-style: chr16-57937756-C-T.
Other names: c.2746G>A, p.Glu916Lys (NM_001286130.2); short protein forms E922K, E916K.
Identifiers: ClinVar variation 835538 (VCV000835538.7), dbSNP rs373209562, ClinGen allele CA8082835.